The following is an entry in ClinVar:

NM_001231.5(CASQ1):c.1116G>C (p.Glu372Asp)

Gene: CASQ1 (calsequestrin 1; plus strand). Cytogenetic location: 1q23.2.
Variant type: single nucleotide variant.
Coding change: c.1116G>C on transcript NM_001231.5 (MANE Select); coding-DNA position 1116, G replaced by C.
Protein change: p.Glu372Asp; replaces glutamic acid 372 with aspartic acid.
Molecular consequence: missense variant.
Genome position (GRCh38, 1-based): chr1:160,201,301, G>C. VCF-style: chr1-160201301-G-C. GRCh37 (hg19) VCF-style: chr1-160171091-G-C.
Other names: short protein forms E372D.
Identifiers: ClinVar variation 2010575 (VCV002010575.4), dbSNP rs1169265732, ClinGen allele CA343264103.

ClinVar aggregate classification (germline): Uncertain significance (1 of 4 stars; one submission).

gnomAD v4.1: 1 of 1,613,784 alleles (0.000062%); no homozygotes.

Submission:

Labcorp Genetics (formerly Invitae), Labcorp
Classification: Uncertain significance. Last evaluated: 2024-03-04. Review status: criteria provided, single submitter. Criteria: Invitae Variant Classification Sherloc (09022015). Collection method: clinical testing. Allele origin: germline.
Comment: This sequence change replaces glutamic acid, which is acidic and polar, with aspartic acid, which is acidic and polar, at codon 372 of the CASQ1 protein (p.Glu372Asp). This variant is present in population databases (no rsID available, gnomAD 0.01%). This variant has not been reported in the literature in individuals affected with CASQ1-related conditions. ClinVar contains an entry for this variant (Variation ID: 2010575). Advanced modeling of protein sequence and biophysical properties (such as structural, functional, and spatial information, amino acid conservation, physicochemical variation, residue mobility, and thermodynamic stability) performed at Invitae indicates that this missense variant is not expected to disrupt CASQ1 protein function with a negative predictive value of 80%. In summary, the available evidence is currently insufficient to determine the role of this variant in disease. Therefore, it has been classified as a Variant of Uncertain Significance.